The following is an entry in ClinVar:

NM_016239.4(MYO15A):c.10344_10345dup (p.Thr3449fs)

Gene: MYO15A (myosin XVA; plus strand). Cytogenetic location: 17p11.2.
Variant type: Microsatellite.
Coding change: c.10344_10345dup on transcript NM_016239.4 (MANE Select); coding-DNA positions 10344 to 10345, 2 bases duplicated (GA; older notation c.10344_10345dupGA).
Protein change: p.Thr3449fs; shifts the reading frame from threonine 3449.
Molecular consequence: frameshift variant.
Genome position (GRCh38, 1-based): chr17:18,172,284-18,172,285, GA duplicated; duplicating any 2 consecutive bases within chr17:18,172,281-18,172,285 gives the same sequence; the c. name uses the placement nearest the transcript's 3' end. VCF-style (leftmost placement, unchanged base first): chr17-18172280-C-CAG. GRCh37 (hg19) VCF-style: chr17-18075594-C-CAG.
Other names: short protein forms T3449fs.
Identifiers: ClinVar variation 3601300 (VCV003601300.1).

ClinVar aggregate classification (germline): Pathogenic (1 of 4 stars; one submission).

Conditions:
Autosomal recessive nonsyndromic hearing loss 3. Also called: NEUROSENSORY NONSYNDROMIC RECESSIVE DEAFNESS 3. Identifiers: Orphanet 90636, MedGen C1838263, MONDO:0010860, OMIM 600316.

Submission:

Institute of Rare Diseases, West China Hospital, Sichuan University
Classification: Pathogenic for Autosomal recessive nonsyndromic hearing loss 3. Last evaluated: 2025-01-09. Review status: criteria provided, single submitter. Criteria: ClinGen HL ACMG Specifications v1. Collection method: research. Allele origin: germline. Affected: yes.
Comment: PVS1;PM3;PP1;PM2_Supporting